The following is an entry in ClinVar:

NM_000179.3(MSH6):c.164C>G (p.Pro55Arg)

Gene: MSH6 (mutS homolog 6; plus strand). Cytogenetic location: 2p16.3.
Variant type: single nucleotide variant.
Coding change: c.164C>G on transcript NM_000179.3 (MANE Select); coding-DNA position 164, C replaced by G.
Protein change: p.Pro55Arg; replaces proline 55 with arginine.
Molecular consequence: missense variant. On other transcripts: 5 prime UTR variant (1).
Genome position (GRCh38, 1-based): chr2:47,783,397, C>G. VCF-style: chr2-47783397-C-G. GRCh37 (hg19) VCF-style: chr2-48010536-C-G.
Other names: c.164C>G, p.Pro55Arg (NM_001281492.2); c.-573C>G (NM_001281493.2); short protein forms P55R.
Identifiers: ClinVar variation 1506791 (VCV001506791.8), dbSNP rs1342218617, ClinGen allele CA346734976.
Genomic context (GRCh38, chr2:47,783,397, plus strand): 5'-CCGCTGCCCCCGGGGCCTCTCCTTCCCCAGGCGGGGATGCGGCCTGGAGCGAGGCTGGGC[C>G]TGGGCCCAGGCCCTTGGCGCGCTCCGCGTCACCGCCCAAGGCGAAGAACCTCAACGGAGG-3'
Protein context (NP_000170.1, residues 45-65): GGDAAWSEAG[Pro55Arg]GPRPLARSAS

ClinVar aggregate classification (germline): Uncertain significance (1 of 4 stars; one submission).

Conditions:
Hereditary nonpolyposis colorectal neoplasms. Identifiers: MedGen C0009405, MeSH D003123.

Submission:

Labcorp Genetics (formerly Invitae), Labcorp
Classification: Uncertain significance for Hereditary nonpolyposis colorectal neoplasms. Last evaluated: 2023-12-06. Review status: criteria provided, single submitter. Criteria: Invitae Variant Classification Sherloc (09022015). Collection method: clinical testing. Allele origin: germline.
Comment: This sequence change replaces proline, which is neutral and non-polar, with arginine, which is basic and polar, at codon 55 of the MSH6 protein (p.Pro55Arg). This variant is not present in population databases (gnomAD no frequency). This variant has not been reported in the literature in individuals affected with MSH6-related conditions. ClinVar contains an entry for this variant (Variation ID: 1506791). Advanced modeling of protein sequence and biophysical properties (such as structural, functional, and spatial information, amino acid conservation, physicochemical variation, residue mobility, and thermodynamic stability) performed at Invitae indicates that this missense variant is not expected to disrupt MSH6 protein function with a negative predictive value of 95%. In summary, the available evidence is currently insufficient to determine the role of this variant in disease. Therefore, it has been classified as a Variant of Uncertain Significance.